The following is an entry in ClinVar:

NM_181646.5(ZNF804B):c.108+198640_108+206657del

Gene: ZNF804B (zinc finger protein 804B; plus strand). Cytogenetic location: 7q21.13.
Variant type: Deletion.
Coding change: c.108+198640_108+206657del on transcript NM_181646.5 (MANE Select); bases 198640 to 206657 of the intron after coding-DNA position 108, 8,018 bases deleted.
Molecular consequence: intron variant.
Genome position (GRCh38, 1-based): chr7:88,958,724-88,966,741, 8,018 bases deleted. GRCh37 (hg19): chr7:88,588,038-88,596,055.
Identifiers: ClinVar variation 157062 (VCV000157062.2), ClinGen allele CA212188.

ClinVar aggregate classification (germline): not provided (0 of 4 stars; one submission).

Conditions:
Normal pregnancy. Identifiers: MedGen C0232989.

Submission:

Institute of Molecular and Cell Biology, University of Tartu
No classification provided. Condition: Normal pregnancy. Review status: no classification provided. Collection method: case-control. Allele origin: unknown. Affected: yes. Study: Kasak2014.
Comment: The study aimed to determine the contribution of copy number variants in the genetic etiology of normal and complicated pregnancies. The samples represented (i) maternal blood DNA drawn from healthy pregnant women during 1st or 2nd trimester and (ii) maternal and paternal blood DNA drawn at term pregnancy cases representing normal and complicated gestations (severe preeclampsia, PE; gestational diabetes, GD; small-for-gestational age newborn, SGA; large-for-gestational age newborn, LGA). We performed CNV calling based on genome-wide genotyping dataset (Illumina HumanOmniExpress-24-v1 BeadChip) by applying three algorithms, QuantiSNP, GADA (Genome Alteration Detection Algorithm) and CNstream in parallel. The acquired CNV calls were merged with HD-CNV (Hotspot Detector for Copy Number Variants) program and only the CNVs predicted by at least two programs, were considered in subsequent analysis.

Literature cited by the submitters: PubMed 25666259.